The following is an entry in ClinVar:

NM_024675.4(PALB2):c.211+5del

Gene: PALB2 (partner and localizer of BRCA2; minus strand). Cytogenetic location: 16p12.2.
Variant type: Deletion.
Coding change: c.211+5del on transcript NM_024675.4 (MANE Select); 5 bases into the intron after coding-DNA position 211, one base deleted (A; older notation c.211+5delA).
Molecular consequence: intron variant.
Genome position (GRCh38, 1-based): chr16:23,637,845, T deleted on the plus strand (A on the coding strand, the reverse complement: PALB2 is on the minus strand); the first of 3 consecutive T bases (chr16:23,637,845-23,637,847); deleting any one gives the same sequence. VCF-style (leftmost placement, unchanged base first): chr16-23637844-AT-A. GRCh37 (hg19) VCF-style: chr16-23649165-AT-A.
Other names: c.211+5delA (NM_024675.4, NM_024675.3).
Identifiers: ClinVar variation 919857 (VCV000919857.14), dbSNP rs752833998, ClinGen allele CA7963826.

ClinVar aggregate classification (germline): Conflicting classifications of pathogenicity. Review status: criteria provided, conflicting classifications (1 of 4 stars). 4 submissions from 4 submitters: Uncertain significance (3); Likely benign (1). Last evaluated 2025-05-20.

Conditions:
Hereditary cancer-predisposing syndrome. Also called: Neoplastic Syndromes, Hereditary; Tumor predisposition; Hereditary Cancer Syndrome; Hereditary neoplastic syndrome. Identifiers: Orphanet 140162, MedGen C0027672, MeSH D009386, MONDO:0015356.
Familial cancer of breast. Also called: BREAST CANCER, FAMILIAL; Hereditary breast cancer; hereditary breast carcinoma. Identifiers: Orphanet 227535, MedGen C0346153, MONDO:0016419, OMIM 114480. Disease mechanism: loss of function.

Submissions (4):

Ambry Genetics
Classification: Uncertain significance for Hereditary cancer-predisposing syndrome. Last evaluated: 2025-05-20. Review status: criteria provided, single submitter. Criteria: Ambry Variant Classification Scheme 2023. Collection method: clinical testing. Allele origin: germline.
Comment: The c.211+5delA intronic variant, located in intron 3 of the PALB2 gene, results from a deletion of one nucleotide within intron 3 of the PALB2 gene. This nucleotide position is well conserved in available vertebrate species. In silico splice site analysis predicts that this alteration will not have any significant effect on splicing. Based on the available evidence, the clinical significance of this variant remains unclear.

Center for Genomic Medicine, Rigshospitalet, Copenhagen University Hospital
Classification: Likely benign. Last evaluated: 2025-03-04. Review status: criteria provided, single submitter. Criteria: ACMG Guidelines, 2015. Collection method: clinical testing. Allele origin: germline.

Labcorp Genetics (formerly Invitae), Labcorp
Classification: Uncertain significance for Familial cancer of breast. Last evaluated: 2021-11-29. Review status: criteria provided, single submitter. Criteria: Invitae Variant Classification Sherloc (09022015). Collection method: clinical testing. Allele origin: germline.
Comment: This variant has not been reported in the literature in individuals affected with PALB2-related conditions. This variant is present in population databases (rs752833998, gnomAD 0.0009%). This sequence change falls in intron 3 of the PALB2 gene. It does not directly change the encoded amino acid sequence of the PALB2 protein. It affects a nucleotide within the consensus splice site. ClinVar contains an entry for this variant (Variation ID: 919857). In summary, the available evidence is currently insufficient to determine the role of this variant in disease. Therefore, it has been classified as a Variant of Uncertain Significance. Variants that disrupt the consensus splice site are a relatively common cause of aberrant splicing (PMID: 17576681, 9536098). Algorithms developed to predict the effect of sequence changes on RNA splicing suggest that this variant may disrupt the consensus splice site.

Color Diagnostics, LLC DBA Color Health
Classification: Uncertain significance for Hereditary cancer-predisposing syndrome. Last evaluated: 2019-07-31. Review status: criteria provided, single submitter. Criteria: ACMG Guidelines, 2015. Collection method: clinical testing. Allele origin: germline.
Comment: This variant deletes one nucleotide at the +5 position of intron 3 of the PALB2 gene. To our knowledge, functional assays have not been performed for this variant nor has this variant been reported in individuals affected with hereditary cancer in the literature. This variant has been identified in 1/251458 chromosomes in the general population by the Genome Aggregation Database (gnomAD). Available evidence is insufficient to determine the role of this variant in disease conclusively. Therefore, this variant is classified as a Variant of Uncertain Significance.

Literature cited by the submitters: PubMed 17576681 (cited by Labcorp Genetics (formerly Invitae), Labcorp); PubMed 9536098 (cited by Labcorp Genetics (formerly Invitae), Labcorp).